The following is an entry in ClinVar:

ClinVar aggregate classification (germline): Uncertain significance. Review status: criteria provided, single submitter (1 of 4 stars). 2 submissions from 2 submitters: Uncertain significance (1). 1 of the submissions does not count toward it. Last evaluated 2022-07-21.

Conditions:
PQBP1-related disorder. Also called: PQBP1-related condition.

Allele frequency attached by ClinVar (database versions not stated): gnomAD exomes below 0.00001; TOPMed 0.00002.

Submissions (2):

Labcorp Genetics (formerly Invitae), Labcorp
Classification: Uncertain significance. Last evaluated: 2022-07-21. Review status: criteria provided, single submitter. Criteria: Invitae Variant Classification Sherloc (09022015). Collection method: clinical testing. Allele origin: germline.
Comment: In summary, the available evidence is currently insufficient to determine the role of this variant in disease. Therefore, it has been classified as a Variant of Uncertain Significance. Algorithms developed to predict the effect of missense changes on protein structure and function are either unavailable or do not agree on the potential impact of this missense change (SIFT: "Deleterious"; PolyPhen-2: "Benign"; Align-GVGD: "Class C0"). This variant has not been reported in the literature in individuals affected with PQBP1-related conditions. This variant is not present in population databases (gnomAD no frequency). This sequence change replaces serine, which is neutral and polar, with leucine, which is neutral and non-polar, at codon 88 of the PQBP1 protein (p.Ser88Leu).

PreventionGenetics, part of Exact Sciences
Classification: Uncertain significance for PQBP1-related condition. Last evaluated: 2024-03-19. Review status: no assertion criteria provided. Collection method: clinical testing. Allele origin: germline. Not counted in ClinVar's aggregate classification.
Comment: The PQBP1 c.263C>T variant is predicted to result in the amino acid substitution p.Ser88Leu. To our knowledge, this variant has not been reported in the literature or in a large population database, indicating this variant is rare. At this time, the clinical significance of this variant is uncertain due to the absence of conclusive functional and genetic evidence.

NM_001032382.2(PQBP1):c.263C>T (p.Ser88Leu)

Gene: PQBP1 (polyglutamine binding protein 1; plus strand). Cytogenetic location: Xp11.23.
Variant type: single nucleotide variant.
Coding change: c.263C>T on transcript NM_001032382.2 (MANE Select); coding-DNA position 263, C replaced by T.
Protein change: p.Ser88Leu; replaces serine 88 with leucine.
Molecular consequence: missense variant. On other transcripts: intron variant (1).
Genome position (GRCh38, 1-based): chrX:48,902,013, C>T. VCF-style: chrX-48902013-C-T. GRCh37 (hg19) VCF-style: chrX-48759290-C-T.
Other names: c.263C>T, p.Ser88Leu (NM_001032381.2, NM_001032383.2, NM_001032384.1 and 3 more transcripts); c.239C>T, p.Ser80Leu (NM_001167990.2); c.201+62C>T (NM_001167992.1); short protein forms S88L, S80L.
Identifiers: ClinVar variation 2065525 (VCV002065525.5), dbSNP rs959075496, ClinGen allele CA329096683.
Genomic context (GRCh38, chrX:48,902,013, plus strand): 5'-CAGACACAGACCTTGTATCCTGGCTCTCCCCACATGACCCCAACTCCGTGGTTACCAAAT[C>T]GGCCAAGAAGCTCAGAAGCAGTAATGCAGGTGAGTTGGCAGGTACAAGCGTGCCTTGAGT-3'
Protein context (NP_001027554.1, residues 78-98): PHDPNSVVTK[Ser88Leu]AKKLRSSNAD